The following is an entry in ClinVar:

ClinVar aggregate classification (germline): Conflicting classifications of pathogenicity. Review status: criteria provided, conflicting classifications (1 of 4 stars). 2 submissions from 2 submitters: Uncertain significance (1); Likely benign (1). Last evaluated 2025-08-27.

Allele frequency attached by ClinVar (database versions not stated): TOPMed 0.00003; ExAC 0.00004; gnomAD 0.00005; ESP Exome Variant Server 0.00008.
gnomAD v4.1: 80 of 1,613,624 alleles (0.005%); highest among the groups gnomAD compares: Non-Finnish European, 0.006%; no homozygotes.

Submissions (2):

Labcorp Genetics (formerly Invitae), Labcorp
Classification: Likely benign. Last evaluated: 2025-08-27. Review status: criteria provided, single submitter. Criteria: Invitae Variant Classification Sherloc (09022015). Collection method: clinical testing. Allele origin: germline.

CeGaT Center for Human Genetics Tuebingen
Classification: Uncertain significance. Last evaluated: 2024-02-01. Review status: criteria provided, single submitter. Criteria: CeGaT Center For Human Genetics Tuebingen Variant Classification Criteria Version 2. Collection method: clinical testing. Allele origin: germline. Affected: yes. Observed: 1 variant allele.
Comment: DCHS1: PM2, BP4

NM_003737.4(DCHS1):c.1467C>A (p.Gly489=)

Gene: DCHS1 (dachsous cadherin-related 1; minus strand). Cytogenetic location: 11p15.4.
Variant type: single nucleotide variant.
Coding change: c.1467C>A on transcript NM_003737.4 (MANE Select); coding-DNA position 1467, C replaced by A.
Protein change: p.Gly489=; no amino-acid change (glycine 489 retained).
Molecular consequence: synonymous variant.
Genome position (GRCh38, 1-based): chr11:6,640,147, G>T on the plus strand (C>A on the coding strand, the complement: DCHS1 is on the minus strand). VCF-style: chr11-6640147-G-T. GRCh37 (hg19) VCF-style: chr11-6661378-G-T.
Identifiers: ClinVar variation 2155774 (VCV002155774.25), dbSNP rs139297616, ClinGen allele CA5860961.